The following is an entry in ClinVar:

NM_017807.4(OSGEP):c.115+8A>G

Genes: OSGEP (O-sialoglycoprotein endopeptidase; minus strand), LOC107372315 (OSGEP/APEX1 bi-directional promoter region; plus strand). Cytogenetic location: 14q11.2.
Variant type: single nucleotide variant.
Coding change: c.115+8A>G on transcript NM_017807.4 (MANE Select); 8 bases into the intron after coding-DNA position 115, A replaced by G.
Molecular consequence: intron variant.
Genome position (GRCh38, 1-based): chr14:20,454,561, T>C on the plus strand (A>G on the coding strand, the complement: OSGEP is on the minus strand). VCF-style: chr14-20454561-T-C. GRCh37 (hg19) VCF-style: chr14-20922720-T-C.
Other names: c.115+8A>G (NM_017807.3).
Identifiers: ClinVar variation 1581548 (VCV001581548.10), dbSNP rs372581348, ClinGen allele CA7081351.

ClinVar aggregate classification (germline): Benign. Review status: criteria provided, single submitter (1 of 4 stars). 2 submissions from 2 submitters: Benign (1). 1 of the submissions does not count toward it. Last evaluated 2025-11-18.

Conditions:
OSGEP-related disorder. Also called: OSGEP-related condition.

Allele frequency attached by ClinVar (database versions not stated): gnomAD 0.00012 and 0.00014; TOPMed 0.00019; ESP Exome Variant Server 0.00023; gnomAD exomes 0.00024; ExAC 0.00025.
gnomAD v4.1: 230 of 1,600,168 alleles (0.014%); highest among the groups gnomAD compares: Non-Finnish European, 0.0033%; no homozygotes.

Submissions (2):

Labcorp Genetics (formerly Invitae), Labcorp
Classification: Benign. Last evaluated: 2025-11-18. Review status: criteria provided, single submitter. Criteria: Invitae Variant Classification Sherloc (09022015). Collection method: clinical testing. Allele origin: germline.

PreventionGenetics, part of Exact Sciences
Classification: Likely benign for OSGEP-related condition. Last evaluated: 2022-12-19. Review status: no assertion criteria provided. Collection method: clinical testing. Allele origin: germline. Not counted in ClinVar's aggregate classification.
Comment: This variant is classified as likely benign based on ACMG/AMP sequence variant interpretation guidelines (Richards et al. 2015 PMID: 25741868, with internal and published modifications).